The following is an entry in ClinVar:

ClinVar aggregate classification (germline): Uncertain significance. Review status: criteria provided, multiple submitters, no conflicts (2 of 4 stars). 2 submissions from 2 submitters: Uncertain significance (2). Last evaluated 2025-05-30.

gnomAD v4.1: 5 of 1,614,210 alleles (0.00031%); highest among the groups gnomAD compares: Non-Finnish European, 0.00034%; no homozygotes.

Submissions (2):

Women's Health and Genetics/Laboratory Corporation of America, LabCorp
Classification: Uncertain significance. Last evaluated: 2025-05-30. Review status: criteria provided, single submitter. Criteria: LabCorp Variant Classification Summary - May 2015. Collection method: clinical testing. Allele origin: germline.
Comment: Variant summary: SPECC1L c.391C>T (p.Arg131X) results in a premature termination codon, predicted to cause a truncation of the encoded protein or absence of the protein due to nonsense mediated decay, however current evidence is not sufficient to establish loss of function as a mechanism for disease. The variant allele was found at a frequency of 4e-06 in 251486 control chromosomes (gnomAD). The available data on variant occurrences in the general population are insufficient to allow any conclusion about variant significance. To our knowledge, no occurrence of c.391C>T in individuals affected with SPECC1L-Related Disorders and no experimental evidence demonstrating its impact on protein function have been reported. No submitters have cited clinical-significance assessments for this variant to ClinVar. Based on the evidence outlined above, the variant was classified as uncertain significance.

Blueprint Genetics
Classification: Uncertain significance. Last evaluated: 2024-11-26. Review status: criteria provided, single submitter. Criteria: ACMG Guidelines, 2015. Collection method: clinical testing. Allele origin: germline.

NM_015330.6(SPECC1L):c.391C>T (p.Arg131Ter)

Genes: SPECC1L (sperm antigen with calponin homology and coiled-coil domains 1 like; plus strand), SPECC1L-ADORA2A (SPECC1L-ADORA2A readthrough (NMD candidate); plus strand). Cytogenetic location: 22q11.23.
Variant type: single nucleotide variant.
Coding change: c.391C>T on transcript NM_015330.6 (MANE Select); coding-DNA position 391, C replaced by T.
Protein change: p.Arg131Ter; replaces arginine 131 with a stop codon.
Molecular consequence: nonsense. On other transcripts: non-coding transcript variant (1).
Genome position (GRCh38, 1-based): chr22:24,321,371, C>T. VCF-style: chr22-24321371-C-T. GRCh37 (hg19) VCF-style: chr22-24717339-C-T.
Other names: c.391C>T, p.Arg131Ter (NM_001145468.4, NM_001254732.3); short protein forms R131*.
Identifiers: ClinVar variation 3902732 (VCV003902732.2).